The following is an entry in ClinVar:

NM_001164665.2(KIAA1549):c.4276G>A (p.Glu1426Lys)

Gene: KIAA1549 (KIAA1549; minus strand). Cytogenetic location: 7q34.
Variant type: single nucleotide variant.
Coding change: c.4276G>A on transcript NM_001164665.2 (MANE Select); coding-DNA position 4276, G replaced by A.
Protein change: p.Glu1426Lys; replaces glutamic acid 1426 with lysine.
Molecular consequence: missense variant.
Genome position (GRCh38, 1-based): chr7:138,879,607, C>T on the plus strand (G>A on the coding strand, the complement: KIAA1549 is on the minus strand). VCF-style: chr7-138879607-C-T. GRCh37 (hg19) VCF-style: chr7-138564353-C-T.
Other names: c.4276G>A, p.Glu1426Lys (NM_020910.3); c.4276G>A (NM_001164665.1); short protein forms E1426K.
Identifiers: ClinVar variation 2009149 (VCV002009149.5), dbSNP rs760972800, ClinGen allele CA4505955.

ClinVar aggregate classification (germline): Uncertain significance. Review status: criteria provided, multiple submitters, no conflicts (2 of 4 stars). 2 submissions from 2 submitters: Uncertain significance (2). Last evaluated 2024-02-13.

Conditions:
Inborn genetic diseases. Identifiers: MedGen C0950123, MeSH D030342.

Allele frequency attached by ClinVar (database versions not stated): gnomAD 0.00001; TOPMed 0.00002; ExAC 0.00004.
gnomAD v4.1: 10 of 1,564,962 alleles (0.00064%); highest among the groups gnomAD compares: East Asian, 0.0095%; no homozygotes.

Submissions (2):

Ambry Genetics
Classification: Uncertain significance for Inborn genetic diseases. Last evaluated: 2024-02-13. Review status: criteria provided, single submitter. Criteria: Ambry Variant Classification Scheme 2023. Collection method: clinical testing. Allele origin: germline.

Labcorp Genetics (formerly Invitae), Labcorp
Classification: Uncertain significance. Last evaluated: 2022-06-22. Review status: criteria provided, single submitter. Criteria: Invitae Variant Classification Sherloc (09022015). Collection method: clinical testing. Allele origin: germline.
Comment: The frequency data for this variant in the population databases is considered unreliable, as metrics indicate poor data quality at this position in the gnomAD database. This variant has not been reported in the literature in individuals affected with KIAA1549-related conditions. This sequence change replaces glutamic acid, which is acidic and polar, with lysine, which is basic and polar, at codon 1426 of the KIAA1549 protein (p.Glu1426Lys). Algorithms developed to predict the effect of missense changes on protein structure and function are either unavailable or do not agree on the potential impact of this missense change (SIFT: "Tolerated"; PolyPhen-2: "Probably Damaging"; Align-GVGD: "Class C0"). In summary, the available evidence is currently insufficient to determine the role of this variant in disease. Therefore, it has been classified as a Variant of Uncertain Significance.